The following is an entry in ClinVar:

ClinVar aggregate classification (germline): Uncertain significance (1 of 4 stars; one submission).

Allele frequency attached by ClinVar (database versions not stated): TOPMed below 0.00001.
gnomAD v4.1: 9 of 1,612,714 alleles (0.00056%); highest among the groups gnomAD compares: Non-Finnish European, 0.00076%; no homozygotes.

Submission:

Labcorp Genetics (formerly Invitae), Labcorp
Classification: Uncertain significance. Last evaluated: 2022-08-11. Review status: criteria provided, single submitter. Criteria: Invitae Variant Classification Sherloc (09022015). Collection method: clinical testing. Allele origin: germline.
Comment: This sequence change replaces lysine, which is basic and polar, with methionine, which is neutral and non-polar, at codon 405 of the CFH protein (p.Lys405Met). In summary, the available evidence is currently insufficient to determine the role of this variant in disease. Therefore, it has been classified as a Variant of Uncertain Significance. Algorithms developed to predict the effect of sequence changes on RNA splicing suggest that this variant may create or strengthen a splice site. Algorithms developed to predict the effect of missense changes on protein structure and function (SIFT, PolyPhen-2, Align-GVGD) all suggest that this variant is likely to be tolerated. This variant has not been reported in the literature in individuals affected with CFH-related conditions. This variant is not present in population databases (gnomAD no frequency).

NM_000186.4(CFH):c.1214A>T (p.Lys405Met)

Gene: CFH (complement factor H; plus strand). Cytogenetic location: 1q31.3.
Variant type: single nucleotide variant.
Coding change: c.1214A>T on transcript NM_000186.4 (MANE Select); coding-DNA position 1214, A replaced by T.
Protein change: p.Lys405Met; replaces lysine 405 with methionine.
Molecular consequence: missense variant.
Genome position (GRCh38, 1-based): chr1:196,690,117, A>T. VCF-style: chr1-196690117-A-T. GRCh37 (hg19) VCF-style: chr1-196659247-A-T.
Other names: c.1214A>T, p.Lys405Met (NM_001014975.3); short protein forms K405M.
Identifiers: ClinVar variation 2167579 (VCV002167579.4), dbSNP rs1289523723, ClinGen allele CA343980622.
Genomic context (GRCh38, chr1:196,690,117, plus strand): 5'-CCTTAGGAAAATGTTATTTTCCTTATTTGGAAAATGGATATAATCAAAATCATGGAAGAA[A>T]GTTTGTACAGGGTAAATCTATAGACGTTGCCTGCCATCCTGGCTACGCTCTTCCAAAAGC-3'
Protein context (NP_000177.2, residues 395-415): ENGYNQNHGR[Lys405Met]FVQGKSIDVA